The following is an entry in ClinVar:

ClinVar aggregate classification (germline): Uncertain significance (1 of 4 stars; one submission).

Conditions:
Primary ciliary dyskinesia. Also called: Ciliary dyskinesia. Identifiers: Orphanet 244, MedGen C0008780, MONDO:0016575, HP:0012265.

Submission:

Labcorp Genetics (formerly Invitae), Labcorp
Classification: Uncertain significance for Primary ciliary dyskinesia. Last evaluated: 2022-07-24. Review status: criteria provided, single submitter. Criteria: Invitae Variant Classification Sherloc (09022015). Collection method: clinical testing. Allele origin: germline.
Comment: This sequence change replaces serine, which is neutral and polar, with alanine, which is neutral and non-polar, at codon 4656 of the DNAH8 protein (p.Ser4656Ala). In summary, the available evidence is currently insufficient to determine the role of this variant in disease. Therefore, it has been classified as a Variant of Uncertain Significance. Algorithms developed to predict the effect of missense changes on protein structure and function are either unavailable or do not agree on the potential impact of this missense change (SIFT: "Deleterious"; PolyPhen-2: "Not Available"; Align-GVGD: "Class C0"). This variant has not been reported in the literature in individuals affected with DNAH8-related conditions. This variant is not present in population databases (gnomAD no frequency).

NM_001206927.2(DNAH8):c.13966T>G (p.Ser4656Ala)

Gene: DNAH8 (dynein axonemal heavy chain 8; plus strand). Cytogenetic location: 6p21.2.
Variant type: single nucleotide variant.
Coding change: c.13966T>G on transcript NM_001206927.2 (MANE Select); coding-DNA position 13966, T replaced by G.
Protein change: p.Ser4656Ala; replaces serine 4656 with alanine.
Molecular consequence: missense variant.
Genome position (GRCh38, 1-based): chr6:39,030,234, T>G. VCF-style: chr6-39030234-T-G. GRCh37 (hg19) VCF-style: chr6-38998010-T-G.
Other names: c.13315T>G, p.Ser4439Ala (NM_001371.4); short protein forms S4439A, S4656A.
Identifiers: ClinVar variation 1713661 (VCV001713661.6), dbSNP rs2534168857, ClinGen allele CA364000050.
Genomic context (GRCh38, chr6:39,030,234, plus strand): 5'-GAATCCACCCCCAAGGTACTCTTCACGCAGTTACCCGTGCTCCACATCTTTGCCATTAAC[T>G]CCACGGCACCCAAGGACCCCAAGCTGTATGTGTGTCCTATTTACAAGAAACCCAGGCGAA-3'
Protein context (NP_001193856.1, residues 4646-4666): LPVLHIFAIN[Ser4656Ala]TAPKDPKLYV